The following is an entry in ClinVar:

NM_000047.3(ARSL):c.835G>C (p.Val279Leu)

Gene: ARSL (arylsulfatase L; minus strand). Cytogenetic location: Xp22.33.
Variant type: single nucleotide variant.
Coding change: c.835G>C on transcript NM_000047.3 (MANE Select); coding-DNA position 835, G replaced by C.
Protein change: p.Val279Leu; replaces valine 279 with leucine.
Molecular consequence: missense variant.
Genome position (GRCh38, 1-based): chrX:2,949,323, C>G on the plus strand (G>C on the coding strand, the complement: ARSL is on the minus strand). VCF-style: chrX-2949323-C-G. GRCh37 (hg19) VCF-style: chrX-2867364-C-G.
Other names: c.910G>C, p.Val304Leu (NM_001282628.2, NM_001369080.1); c.673G>C, p.Val225Leu (NM_001282631.2); c.862G>C, p.Val288Leu (NM_001369079.1); short protein forms V225L, V304L, V279L, V288L.
Identifiers: ClinVar variation 3647714 (VCV003647714.2).

ClinVar aggregate classification (germline): Uncertain significance (1 of 4 stars; one submission).

Conditions:
Chondrodysplasia punctata, brachytelephalangic, autosomal. Also called: BRACHYTELEPHALANGIC CHONDRODYSPLASIA PUNCTATA. Identifiers: MedGen C1844853, MONDO:0011238, OMIM 602497.

Submission:

Labcorp Genetics (formerly Invitae), Labcorp
Classification: Uncertain significance for Chondrodysplasia punctata, brachytelephalangic, autosomal. Last evaluated: 2024-03-26. Review status: criteria provided, single submitter. Criteria: Invitae Variant Classification Sherloc (09022015). Collection method: clinical testing. Allele origin: germline.
Comment: This sequence change replaces valine, which is neutral and non-polar, with leucine, which is neutral and non-polar, at codon 279 of the ARSE protein (p.Val279Leu). This variant is not present in population databases (gnomAD no frequency). This variant has not been reported in the literature in individuals affected with ARSE-related conditions. Advanced modeling of protein sequence and biophysical properties (such as structural, functional, and spatial information, amino acid conservation, physicochemical variation, residue mobility, and thermodynamic stability) has been performed at Invitae for this missense variant, however the output from this modeling did not meet the statistical confidence thresholds required to predict the impact of this variant on ARSE protein function. In summary, the available evidence is currently insufficient to determine the role of this variant in disease. Therefore, it has been classified as a Variant of Uncertain Significance.